The following is an entry in ClinVar:

NM_001349338.3(FOXP1):c.1600T>C (p.Trp534Arg)

Gene: FOXP1 (forkhead box P1; minus strand). Cytogenetic location: 3p13.
Variant type: single nucleotide variant.
Coding change: c.1600T>C on transcript NM_001349338.3 (MANE Select); coding-DNA position 1600, T replaced by C.
Protein change: p.Trp534Arg; replaces tryptophan 534 with arginine.
Molecular consequence: missense variant. On other transcripts: non-coding transcript variant (2), intron variant (1).
Genome position (GRCh38, 1-based): chr3:70,972,607, A>G on the plus strand (T>C on the coding strand, the complement: FOXP1 is on the minus strand). VCF-style: chr3-70972607-A-G. GRCh37 (hg19) VCF-style: chr3-71021758-A-G.
Other names: c.1597T>C, p.Trp533Arg (NM_001244808.3, NM_001349341.3); c.1372T>C, p.Trp458Arg (NM_001244812.3); c.1300T>C, p.Trp434Arg (NM_001244813.3, NM_001244815.2, NM_001349342.3); c.1600T>C, p.Trp534Arg (NM_001244814.3, NM_001244816.2, NM_001349340.3 and 1 more transcripts); c.1297T>C, p.Trp433Arg (NM_001349337.2, NM_001349343.3, NM_001349344.3 and 1 more transcripts); c.1531-427T>C (NM_001244810.2); short protein forms W534R, W458R, W533R, W433R, W434R.
Identifiers: ClinVar variation 156541 (VCV000156541.9), dbSNP rs587777855, ClinGen allele CA233247.

ClinVar aggregate classification (germline): Likely pathogenic. Review status: criteria provided, single submitter (1 of 4 stars). 2 submissions from 2 submitters: Likely pathogenic (1). 1 of the submissions does not count toward it. Last evaluated 2024-10-20.

Conditions:
Intellectual disability-severe speech delay-mild dysmorphism syndrome (IDDLA). Also called: Mental retardation with language impairment and autistic features; FOXP1 Syndrome; Intellectual developmental disorder with language impairment AND with or without autistic features. Identifiers: Orphanet 391372, MedGen C4013764, MONDO:0013352, OMIM 613670.

Submissions (2):

Labcorp Genetics (formerly Invitae), Labcorp
Classification: Likely pathogenic. Last evaluated: 2024-10-20. Review status: criteria provided, single submitter. Criteria: Invitae Variant Classification Sherloc (09022015). Collection method: clinical testing. Allele origin: germline.
Comment: This sequence change replaces tryptophan, which is neutral and slightly polar, with arginine, which is basic and polar, at codon 534 of the FOXP1 protein (p.Trp534Arg). This variant is not present in population databases (gnomAD no frequency). This missense change has been observed in individual(s) with developmental delay and/or FOXP1-related intellectual disability (PMID: 25131622, 33057194, 35982159). In at least one individual the variant was observed to be de novo. ClinVar contains an entry for this variant (Variation ID: 156541). Invitae Evidence Modeling of protein sequence and biophysical properties (such as structural, functional, and spatial information, amino acid conservation, physicochemical variation, residue mobility, and thermodynamic stability) indicates that this missense variant is expected to disrupt FOXP1 protein function with a positive predictive value of 80%. Experimental studies have shown that this missense change affects FOXP1 function (PMID: 26647308). In summary, the currently available evidence indicates that the variant is pathogenic, but additional data are needed to prove that conclusively. Therefore, this variant has been classified as Likely Pathogenic.

OMIM
Classification: Pathogenic for INTELLECTUAL DEVELOPMENTAL DISORDER WITH LANGUAGE IMPAIRMENT AND WITHOUT AUTISTIC FEATURES. Last evaluated: 2014-10-01. Review status: no assertion criteria provided. Collection method: literature only. Allele origin: germline. Not counted in ClinVar's aggregate classification.

Literature cited by the submitters: PubMed 25131622 (cited by Labcorp Genetics (formerly Invitae), Labcorp and OMIM); PubMed 33057194 (cited by Labcorp Genetics (formerly Invitae), Labcorp); PubMed 35982159 (cited by Labcorp Genetics (formerly Invitae), Labcorp); PubMed 26647308 (cited by Labcorp Genetics (formerly Invitae), Labcorp and OMIM).